The following is an entry in ClinVar:

ClinVar aggregate classification (germline): Uncertain significance (1 of 4 stars; one submission).

Conditions:
Intellectual disability. Also called: Intellectual functioning disability; intellectual disabilities; Intellectual developmental disorder. Identifiers: MedGen C3714756, MeSH D008607, MONDO:0001071, HP:0001249.

Submission:

Labcorp Genetics (formerly Invitae), Labcorp
Classification: Uncertain significance for Intellectual disability. Last evaluated: 2022-01-05. Review status: criteria provided, single submitter. Criteria: Invitae Variant Classification Sherloc (09022015). Collection method: clinical testing. Allele origin: germline.
Comment: This variant is not present in population databases (gnomAD no frequency). In summary, the available evidence is currently insufficient to determine the role of this variant in disease. Therefore, it has been classified as a Variant of Uncertain Significance. Advanced modeling of protein sequence and biophysical properties (such as structural, functional, and spatial information, amino acid conservation, physicochemical variation, residue mobility, and thermodynamic stability) performed at Invitae indicates that this missense variant is expected to disrupt GABRB2 protein function. This variant has not been reported in the literature in individuals affected with GABRB2-related conditions. This sequence change replaces proline, which is neutral and non-polar, with threonine, which is neutral and polar, at codon 144 of the GABRB2 protein (p.Pro144Thr).

NM_001371727.1(GABRB2):c.430C>A (p.Pro144Thr)

Gene: GABRB2 (gamma-aminobutyric acid type A receptor subunit beta2; minus strand). Cytogenetic location: 5q34.
Variant type: single nucleotide variant.
Coding change: c.430C>A on transcript NM_001371727.1 (MANE Select); coding-DNA position 430, C replaced by A.
Protein change: p.Pro144Thr; replaces proline 144 with threonine.
Molecular consequence: missense variant.
Genome position (GRCh38, 1-based): chr5:161,459,652, G>T on the plus strand (C>A on the coding strand, the complement: GABRB2 is on the minus strand). VCF-style: chr5-161459652-G-T. GRCh37 (hg19) VCF-style: chr5-160886658-G-T.
Other names: c.430C>A, p.Pro144Thr (NM_000813.3, NM_021911.3); short protein forms P144T.
Identifiers: ClinVar variation 2075511 (VCV002075511.4), dbSNP rs2479999824, ClinGen allele CA362173750.
Genomic context (GRCh38, chr5:161,459,652, plus strand): 5'-AAAAGTTATATTTTGAATTGGGGACAACAGACCTGAGTCCATAAAGGACGGTGCCATCAG[G>T]ATGCAGGCGAATCATGCGGTTCTTAACAGTCACTCCGTGCACAAATGACTTCTTATCGTT-3'
Protein context (NP_001358656.1, residues 134-154): TVKNRMIRLH[Pro144Thr]DGTVLYGLRI